The following is an entry in ClinVar:

NM_001032396.4(PJA1):c.1110C>T (p.Ala370=)

Gene: PJA1 (praja ring finger ubiquitin ligase 1; minus strand). Cytogenetic location: Xq13.1.
Variant type: single nucleotide variant.
Coding change: c.1110C>T on transcript NM_001032396.4 (MANE Select); coding-DNA position 1110, C replaced by T.
Protein change: p.Ala370=; no amino-acid change (alanine 370 retained).
Molecular consequence: synonymous variant.
Genome position (GRCh38, 1-based): chrX:69,161,964, G>A on the plus strand (C>T on the coding strand, the complement: PJA1 is on the minus strand). VCF-style: chrX-69161964-G-A. GRCh37 (hg19) VCF-style: chrX-68381807-G-A.
Other names: c.1275C>T, p.Ala425= (NM_001382775.1, NM_145119.4); c.1110C>T, p.Ala370= (NM_001382776.1); c.711C>T, p.Ala237= (NM_022368.5).
Identifiers: ClinVar variation 2660797 (VCV002660797.24), dbSNP rs375900316, ClinGen allele CA10438376.

ClinVar aggregate classification (germline): Likely benign (1 of 4 stars; one submission).

Allele frequency attached by ClinVar (database versions not stated): gnomAD exomes 0.00005; ExAC 0.00024.

Submission:

CeGaT Center for Human Genetics Tuebingen
Classification: Likely benign. Last evaluated: 2022-09-01. Review status: criteria provided, single submitter. Criteria: CeGaT Center For Human Genetics Tuebingen Variant Classification Criteria Version 2. Collection method: clinical testing. Allele origin: germline. Affected: yes. Observed: 1 variant allele.
Comment: PJA1: BP4, BP7